The following is an entry in ClinVar:

NM_198525.3(KIF7):c.1339G>T (p.Val447Phe)

Gene: KIF7 (kinesin family member 7; minus strand). Cytogenetic location: 15q26.1.
Variant type: single nucleotide variant.
Coding change: c.1339G>T on transcript NM_198525.3 (MANE Select); coding-DNA position 1339, G replaced by T.
Protein change: p.Val447Phe; replaces valine 447 with phenylalanine.
Molecular consequence: missense variant.
Genome position (GRCh38, 1-based): chr15:89,648,359, C>A on the plus strand (G>T on the coding strand, the complement: KIF7 is on the minus strand). VCF-style: chr15-89648359-C-A. GRCh37 (hg19) VCF-style: chr15-90191590-C-A.
Other names: short protein forms V447F.
Identifiers: ClinVar variation 1717276 (VCV001717276.5), dbSNP rs1964054912, ClinGen allele CA393771123.

ClinVar aggregate classification (germline): Uncertain significance (1 of 4 stars; one submission).

Conditions:
Acrocallosal syndrome (ACLS). Also called: HALLUX DUPLICATION, POSTAXIAL POLYDACTYLY, AND ABSENCE OF CORPUS CALLOSUM; Schinzel syndrome 1; Absence of corpus callosum with unusual facial appearance, mental deficiency, duplication of the halluces and polydactyly. Identifiers: Orphanet 36, MedGen C0796147, MONDO:0008708, OMIM 200990.

Allele frequency attached by ClinVar (database versions not stated): gnomAD 0.00001.

Submission:

Labcorp Genetics (formerly Invitae), Labcorp
Classification: Uncertain significance for Acrocallosal syndrome. Last evaluated: 2022-08-21. Review status: criteria provided, single submitter. Criteria: Invitae Variant Classification Sherloc (09022015). Collection method: clinical testing. Allele origin: germline.
Comment: In summary, the available evidence is currently insufficient to determine the role of this variant in disease. Therefore, it has been classified as a Variant of Uncertain Significance. This variant is not present in population databases (gnomAD no frequency). Algorithms developed to predict the effect of missense changes on protein structure and function are either unavailable or do not agree on the potential impact of this missense change (SIFT: "Deleterious"; PolyPhen-2: "Possibly Damaging"; Align-GVGD: "Class C0"). This variant has not been reported in the literature in individuals affected with KIF7-related conditions. This sequence change replaces valine, which is neutral and non-polar, with phenylalanine, which is neutral and non-polar, at codon 447 of the KIF7 protein (p.Val447Phe).